The following is an entry in ClinVar:

NM_147686.4(TRAF3IP2):c.973G>T (p.Glu325Ter)

Genes: TRAF3IP2 (TRAF3 interacting protein 2; minus strand), TRAF3IP2-AS1 (TRAF3IP2 antisense RNA 1; plus strand). Cytogenetic location: 6q21.
Variant type: single nucleotide variant.
Coding change: c.973G>T on transcript NM_147686.4 (MANE Select); coding-DNA position 973, G replaced by T.
Protein change: p.Glu325Ter; replaces glutamic acid 325 with a stop codon.
Molecular consequence: nonsense.
Genome position (GRCh38, 1-based): chr6:111,580,246, C>A on the plus strand (G>T on the coding strand, the complement: TRAF3IP2 is on the minus strand). VCF-style: chr6-111580246-C-A. GRCh37 (hg19) VCF-style: chr6-111901449-C-A.
Other names: c.973G>T, p.Glu325Ter (NM_001164281.3); c.1000G>T, p.Glu334Ter (NM_147200.3); short protein forms E325*, E334*.
Identifiers: ClinVar variation 3625944 (VCV003625944.2).
Genomic context (GRCh38, chr6:111,580,246, plus strand): 5'-GTCATACTTACTGGTGCCTTGGAAGCCCCGGAAAGGAGCAGTCTCTCTGTGCGGGCCTCT[C>A]TTCGTGGTCCCAGGGGCTGGGATAATTCAGGATAACCTTCTGCACAGGGTGCAGGCCTCT-3'

ClinVar aggregate classification (germline): Pathogenic (1 of 4 stars; one submission).

Conditions:
Candidiasis, familial, 8 (CANDF8). Identifiers: Orphanet 1334, MedGen C3714992, MONDO:0014230, OMIM 615527.

Submission:

Labcorp Genetics (formerly Invitae), Labcorp
Classification: Pathogenic for Candidiasis, familial, 8. Last evaluated: 2024-07-04. Review status: criteria provided, single submitter. Criteria: Invitae Variant Classification Sherloc (09022015). Collection method: clinical testing. Allele origin: germline.
Comment: This sequence change creates a premature translational stop signal (p.Glu325*) in the TRAF3IP2 gene. It is expected to result in an absent or disrupted protein product. Loss-of-function variants in TRAF3IP2 are known to be pathogenic (PMID: 24120361). This variant is not present in population databases (gnomAD no frequency). This variant has not been reported in the literature in individuals affected with TRAF3IP2-related conditions. For these reasons, this variant has been classified as Pathogenic.

Literature cited by the submitters: PubMed 24120361.